The following is an entry in ClinVar:

NM_005029.4(PITX3):c.759C>T (p.Pro253=)

Genes: GBF1 (golgi brefeldin A resistant guanine nucleotide exchange factor 1; plus strand), PITX3 (paired like homeodomain 3; minus strand), LOC130004591 (ATAC-STARR-seq lymphoblastoid silent region 2753; plus strand). Cytogenetic location: 10q24.32.
Variant type: single nucleotide variant.
Coding change: c.759C>T on transcript NM_005029.4 (MANE Select); coding-DNA position 759, C replaced by T.
Protein change: p.Pro253=; no amino-acid change (proline 253 retained).
Molecular consequence: synonymous variant. On other transcripts: 5 prime UTR variant (2).
Genome position (GRCh38, 1-based): chr10:102,230,664, G>A on the plus strand (C>T on the coding strand, the complement: PITX3 is on the minus strand). VCF-style: chr10-102230664-G-A. GRCh37 (hg19) VCF-style: chr10-103990421-G-A.
Other names: c.-263G>A (NM_001391923.1); c.-401G>A (NM_001391924.1).
Identifiers: ClinVar variation 3047919 (VCV003047919.2), dbSNP rs1466048901, ClinGen allele CA471247063.

ClinVar aggregate classification (germline): Likely benign (0 of 4 stars; one submission).

Conditions:
PITX3-related disorder. Also called: PITX3-related condition.

Allele frequency attached by ClinVar (database versions not stated): TOPMed 0.00001.
gnomAD v4.1: 15 of 1,595,012 alleles (0.00094%); highest among the groups gnomAD compares: African/African-American, 0.008%; no homozygotes.

Submission:

PreventionGenetics, part of Exact Sciences
Classification: Likely benign for PITX3-related condition. Last evaluated: 2019-03-01. Review status: no assertion criteria provided. Collection method: clinical testing. Allele origin: germline.
Comment: This variant is classified as likely benign based on ACMG/AMP sequence variant interpretation guidelines (Richards et al. 2015 PMID: 25741868, with internal and published modifications).